The following is an entry in ClinVar:

ClinVar aggregate classification (germline): Uncertain significance. Review status: criteria provided, multiple submitters, no conflicts (2 of 4 stars). 2 submissions from 2 submitters: Uncertain significance (2). Last evaluated 2024-07-29.

Conditions:
Progressive sclerosing poliodystrophy (MTDPS4A). Also called: NEURONAL DEGENERATION OF CHILDHOOD WITH LIVER DISEASE, PROGRESSIVE; ALPERS PROGRESSIVE INFANTILE POLIODYSTROPHY; ALPERS DIFFUSE DEGENERATION OF CEREBRAL GRAY MATTER WITH HEPATIC CIRRHOSIS; Alpers-Huttenlocher Syndrome; Mitochondrial DNA depletion syndrome 4A (Alpers type); Alpers Syndrome. Identifiers: Orphanet 726, MedGen C0205710, MONDO:0008758, OMIM 203700.

gnomAD v4.1: 2 of 1,612,928 alleles (0.00012%); highest among the groups gnomAD compares: Non-Finnish European, 0.00017%; no homozygotes.

Submissions (2):

Blueprint Genetics
Classification: Uncertain significance. Last evaluated: 2024-07-29. Review status: criteria provided, single submitter. Criteria: ACMG Guidelines, 2015. Collection method: clinical testing. Allele origin: germline.

Labcorp Genetics (formerly Invitae), Labcorp
Classification: Uncertain significance for Progressive sclerosing poliodystrophy. Last evaluated: 2022-08-19. Review status: criteria provided, single submitter. Criteria: Invitae Variant Classification Sherloc (09022015). Collection method: clinical testing. Allele origin: germline.
Comment: This sequence change replaces glutamine, which is neutral and polar, with histidine, which is basic and polar, at codon 77 of the POLG protein (p.Gln77His). In summary, the available evidence is currently insufficient to determine the role of this variant in disease. Therefore, it has been classified as a Variant of Uncertain Significance. Algorithms developed to predict the effect of missense changes on protein structure and function are either unavailable or do not agree on the potential impact of this missense change (SIFT: "Deleterious"; PolyPhen-2: "Probably Damaging"; Align-GVGD: "Class C0"). This variant has not been reported in the literature in individuals affected with POLG-related conditions. This variant is present in population databases (rs750555988, gnomAD 0.0009%).

NM_002693.3(POLG):c.231G>T (p.Gln77His)

Genes: POLG (DNA polymerase gamma, catalytic subunit; minus strand), POLGARF (POLG alternative reading frame; minus strand). Cytogenetic location: 15q26.1.
Variant type: single nucleotide variant.
Coding change: c.231G>T on transcript NM_002693.3 (MANE Select); coding-DNA position 231, G replaced by T.
Protein change: p.Gln77His; replaces glutamine 77 with histidine.
Molecular consequence: missense variant.
Genome position (GRCh38, 1-based): chr15:89,333,524, C>A on the plus strand (G>T on the coding strand, the complement: POLG is on the minus strand). VCF-style: chr15-89333524-C-A. GRCh37 (hg19) VCF-style: chr15-89876755-C-A.
Other names: c.231G>T, p.Gln77His (NM_001126131.2); short protein forms Q77H.
Identifiers: ClinVar variation 1993709 (VCV001993709.5), dbSNP rs750555988, ClinGen allele CA7725156.